The following is an entry in ClinVar:

NM_032043.3(BRIP1):c.35G>A (p.Gly12Glu)

Gene: BRIP1 (BRCA1 interacting DNA helicase 1; minus strand). Cytogenetic location: 17q23.2.
Variant type: single nucleotide variant.
Coding change: c.35G>A on transcript NM_032043.3 (MANE Select); coding-DNA position 35, G replaced by A.
Protein change: p.Gly12Glu; replaces glycine 12 with glutamic acid.
Molecular consequence: missense variant.
Genome position (GRCh38, 1-based): chr17:61,861,505, C>T on the plus strand (G>A on the coding strand, the complement: BRIP1 is on the minus strand). VCF-style: chr17-61861505-C-T. GRCh37 (hg19) VCF-style: chr17-59938866-C-T.
Other names: short protein forms G12E.
Identifiers: ClinVar variation 481636 (VCV000481636.7), dbSNP rs1555618733, ClinGen allele CA400486027.

ClinVar aggregate classification (germline): Uncertain significance. Review status: criteria provided, multiple submitters, no conflicts (2 of 4 stars). 2 submissions from 2 submitters: Uncertain significance (2). Last evaluated 2021-11-12.

Conditions:
Hereditary cancer-predisposing syndrome. Also called: Neoplastic Syndromes, Hereditary; Tumor predisposition; Hereditary Cancer Syndrome; Hereditary neoplastic syndrome. Identifiers: Orphanet 140162, MedGen C0027672, MeSH D009386, MONDO:0015356.

Submissions (2):

Color Diagnostics, LLC DBA Color Health
Classification: Uncertain significance for Hereditary cancer-predisposing syndrome. Last evaluated: 2021-11-12. Review status: criteria provided, single submitter. Criteria: ACMG Guidelines, 2015. Collection method: clinical testing. Allele origin: germline.
Comment: This missense variant replaces glycine with glutamic acid at codon 12 of the BRIP1 protein. Computational prediction suggests that this variant may have deleterious impact on protein structure and function (internally defined REVEL score threshold >= 0.7, PMID: 27666373). To our knowledge, functional studies have not been reported for this variant. This variant has not been reported in individuals affected with hereditary cancer in the literature. This variant has not been identified in the general population by the Genome Aggregation Database (gnomAD). The available evidence is insufficient to determine the role of this variant in disease conclusively. Therefore, this variant is classified as a Variant of Uncertain Significance.

Ambry Genetics
Classification: Uncertain significance for Hereditary cancer-predisposing syndrome. Last evaluated: 2016-03-28. Review status: criteria provided, single submitter. Criteria: Ambry Variant Classification Scheme 2023. Collection method: clinical testing. Allele origin: germline.
Comment: The p.G12E variant (also known as c.35G>A), located in coding exon 1 of the BRIP1 gene, results from a G to A substitution at nucleotide position 35. The glycine at codon 12 is replaced by glutamic acid, an amino acid with similar properties. This variant was not reported in population based cohorts in the following databases: Database of Single Nucleotide Polymorphisms (dbSNP), NHLBI Exome Sequencing Project (ESP), and 1000 Genomes Project. In the ESP, this variant was not observed in 6503 samples (13006 alleles) with coverage at this position. To date, this alteration has been detected with an allele frequency of approximately 0.001% (greater than 120000 alleles tested) in our clinical cohort. This amino acid position is highly conserved in available vertebrate species. In addition, this alteration is predicted to be deleterious by in silico analysis. Since supporting evidence is limited at this time, the clinical significance of this alteration remains unclear.